The following is an entry in ClinVar:

NM_001163560.3(MEIOB):c.1035-1G>A

Genes: FAHD1 (FAH domain containing oxaloacetate decarboxylase 1; plus strand), MEIOB (meiosis specific with OB-fold; minus strand). Cytogenetic location: 16p13.3.
Variant type: single nucleotide variant.
Coding change: c.1035-1G>A on transcript NM_001163560.3 (MANE Select); the canonical splice acceptor site of the intron before coding-DNA position 1035, G replaced by A.
Molecular consequence: splice acceptor variant. On other transcripts: 3 prime UTR variant (2).
Genome position (GRCh38, 1-based): chr16:1,839,439, C>T on the plus strand (G>A on the coding strand, the complement: MEIOB is on the minus strand). VCF-style: chr16-1839439-C-T. GRCh37 (hg19) VCF-style: chr16-1889440-C-T.
Other names: c.*186C>T (NM_001018104.3); c.*133C>T (NM_001142398.2); c.1035-1G>A (NM_152764.3).
Identifiers: ClinVar variation 2081185 (VCV002081185.1), dbSNP rs972548876, ClinGen allele CA276744819.
Genomic context (GRCh38, chr16:1,839,439, plus strand): 5'-TTTTTGTTGCAAGTTGTGCACATGTTAGATGCTTCATTTACAATATAACCACAGCTGGAA[C>T]TGAAAAGAAACAAAGACAATGATAAAATGTGATGCCCTAAGCTACAAATTTCATCTGTAG-3'

ClinVar aggregate classification (germline): Likely pathogenic (1 of 4 stars; one submission).

gnomAD v4.1: 5 of 1,603,652 alleles (0.00031%); highest among the groups gnomAD compares: Non-Finnish European, 0.00043%; no homozygotes.

Submission:

Labcorp Genetics (formerly Invitae), Labcorp
Classification: Likely pathogenic. Last evaluated: 2022-06-27. Review status: criteria provided, single submitter. Criteria: Invitae Variant Classification Sherloc (09022015). Collection method: clinical testing. Allele origin: germline.
Comment: This sequence change affects an acceptor splice site in intron 11 of the MEIOB gene. It is expected to disrupt RNA splicing. Variants that disrupt the donor or acceptor splice site typically lead to a loss of protein function (PMID: 16199547), and loss-of-function variants in MEIOB are known to be pathogenic (PMID: 30838384). This variant is not present in population databases (gnomAD no frequency). This variant has not been reported in the literature in individuals affected with MEIOB-related conditions. Algorithms developed to predict the effect of sequence changes on RNA splicing suggest that this variant may disrupt the consensus splice site. In summary, the currently available evidence indicates that the variant is pathogenic, but additional data are needed to prove that conclusively. Therefore, this variant has been classified as Likely Pathogenic.

Literature cited by the submitters: PubMed 16199547; PubMed 30838384.